The following is an entry in ClinVar:

ClinVar aggregate classification (germline): Likely pathogenic. Review status: criteria provided, multiple submitters, no conflicts (2 of 4 stars). 2 submissions from 2 submitters: Likely pathogenic (2). Last evaluated 2023-12-12.

Conditions:
TTC21B-related disorder. Also called: TTC21B-related disorders; TTC21B-related condition.

Submissions (2):

Blueprint Genetics
Classification: Likely pathogenic for TTC21B-related disorders. Last evaluated: 2023-12-12. Review status: criteria provided, single submitter. Criteria: ACMG Guidelines, 2015. Collection method: clinical testing. Allele origin: germline. Affected: yes. Observed: 1 variant allele.

ARUP Laboratories, Molecular Genetics and Genomics, ARUP Laboratories
Classification: Likely pathogenic. Last evaluated: 2019-04-03. Review status: criteria provided, single submitter. Criteria: ARUP Molecular Germline Variant Investigation Process. Collection method: clinical testing. Allele origin: germline.
Comment: The TTC21B c.370_380del11; p.His124fs variant (rs1237271536), to our knowledge, is not described in the medical literature or in gene-specific databases. It is also absent from general population databases (Exome Variant Server and Genome Aggregation Database), indicating it is not a common polymorphism. This variant causes a frameshift by deleting 11 nucleotides, so it is predicted to result in a truncated protein or mRNA subject to nonsense-mediated decay. Based on available information, this variant is considered likely pathogenic.

NM_024753.5(TTC21B):c.370_380del (p.His124fs)

Genes: TTC21B (tetratricopeptide repeat domain 21B; minus strand), TTC21B-AS1 (TTC21B antisense RNA 1; plus strand). Cytogenetic location: 2q24.3.
Variant type: Deletion.
Coding change: c.370_380del on transcript NM_024753.5 (MANE Select); coding-DNA positions 370 to 380, 11 bases deleted (CATGATAAAGC).
Protein change: p.His124fs; shifts the reading frame from histidine 124.
Molecular consequence: frameshift variant.
Genome position (GRCh38, 1-based): chr2:165,945,573-165,945,583, GCTTTATCATG deleted on the plus strand (CATGATAAAGC on the coding strand, the reverse complement: TTC21B is on the minus strand); deleting any 11 consecutive bases within chr2:165,945,573-165,945,585 gives the same sequence; the c. name uses the placement nearest the transcript's 3' end. VCF-style (leftmost placement, unchanged base first): chr2-165945572-TGCTTTATCATG-T. GRCh37 (hg19) VCF-style: chr2-166802082-TGCTTTATCATG-T.
Other names: short protein forms H124fs.
Identifiers: ClinVar variation 811342 (VCV000811342.10), dbSNP rs1237271536, ClinGen allele CA537508350.